The following is an entry in ClinVar:

NM_015214.3(DDHD2):c.899C>T (p.Thr300Ile)

Gene: DDHD2 (DDHD domain containing 2; plus strand). Cytogenetic location: 8p11.23.
Variant type: single nucleotide variant.
Coding change: c.899C>T on transcript NM_015214.3 (MANE Select); coding-DNA position 899, C replaced by T.
Protein change: p.Thr300Ile; replaces threonine 300 with isoleucine.
Molecular consequence: missense variant. On other transcripts: non-coding transcript variant (2).
Genome position (GRCh38, 1-based): chr8:38,245,792, C>T. VCF-style: chr8-38245792-C-T. GRCh37 (hg19) VCF-style: chr8-38103310-C-T.
Other names: c.899C>T, p.Thr300Ile (NM_001164232.2, NM_001362911.2, NM_001362912.2 and 1 more transcripts); c.809C>T, p.Thr270Ile (NM_001362913.2); short protein forms T270I, T300I.
Identifiers: ClinVar variation 696127 (VCV000696127.10), dbSNP rs200249745, ClinGen allele CA4716114.

ClinVar aggregate classification (germline): Conflicting classifications of pathogenicity. Review status: criteria provided, conflicting classifications (1 of 4 stars). 2 submissions from 2 submitters: Uncertain significance (1); Likely benign (1). Last evaluated 2025-10-04.

Conditions:
Hereditary spastic paraplegia 54. Also called: Spastic paraplegia 54, autosomal recessive. Identifiers: Orphanet 320380, MedGen C3539495, MONDO:0014018, OMIM 615033.

Allele frequency attached by ClinVar (database versions not stated): ESP Exome Variant Server 0.00008; gnomAD exomes 0.00010 and 0.00018; ExAC 0.00012; gnomAD 0.00014 and 0.00015; TOPMed 0.00017.
gnomAD v4.1: 187 of 1,614,214 alleles (0.012%); highest among the groups gnomAD compares: Admixed American, 0.02%; no homozygotes.

Submissions (2):

Labcorp Genetics (formerly Invitae), Labcorp
Classification: Likely benign for Hereditary spastic paraplegia 54. Last evaluated: 2025-10-04. Review status: criteria provided, single submitter. Criteria: Invitae Variant Classification Sherloc (09022015). Collection method: clinical testing. Allele origin: germline.

GeneDx
Classification: Uncertain significance. Last evaluated: 2019-10-15. Review status: criteria provided, single submitter. Criteria: GeneDx Variant Classification Process June 2021. Collection method: clinical testing. Allele origin: germline. Affected: yes.
Comment: In silico analysis, which includes protein predictors and evolutionary conservation, supports a deleterious effect; Has not been previously published as pathogenic or benign to our knowledge